The following is an entry in ClinVar:

ClinVar aggregate classification (germline): Conflicting classifications of pathogenicity. Review status: criteria provided, conflicting classifications (1 of 4 stars). 3 submissions from 3 submitters: Uncertain significance (1); Benign (1); Likely benign (1). Last evaluated 2025-03-17.

Conditions:
Microcephaly 5, primary, autosomal recessive (MCPH5). Also called: ASPM Primary Microcephaly. Identifiers: Orphanet 2512, MedGen C1837501, MONDO:0012106, OMIM 608716.

Allele frequency attached by ClinVar (database versions not stated): gnomAD exomes 0.00005 and 0.00010; TOPMed 0.00007; ExAC 0.00008; ESP Exome Variant Server 0.00008.
gnomAD v4.1: 81 of 1,612,190 alleles (0.005%); highest among the groups gnomAD compares: Middle Eastern, 0.017%; no homozygotes.

Submissions (3):

Labcorp Genetics (formerly Invitae), Labcorp
Classification: Benign. Last evaluated: 2025-03-17. Review status: criteria provided, single submitter. Criteria: Invitae Variant Classification Sherloc (09022015). Collection method: clinical testing. Allele origin: germline.

Illumina Laboratory Services, Illumina
Classification: Uncertain significance for Microcephaly 5, primary, autosomal recessive. Last evaluated: 2018-01-13. Review status: criteria provided, single submitter. Criteria: ICSL Variant Classification Criteria 13 December 2019. Collection method: clinical testing. Allele origin: germline.

GeneDx
Classification: Likely benign. Last evaluated: 2016-06-20. Review status: criteria provided, single submitter. Criteria: GeneDx Variant Classification (06012015). Collection method: clinical testing. Allele origin: germline. Affected: yes.
Comment: This variant is considered likely benign or benign based on one or more of the following criteria: it is a conservative change, it occurs at a poorly conserved position in the protein, it is predicted to be benign by multiple in silico algorithms, and/or has population frequency not consistent with disease.

NM_018136.5(ASPM):c.9246T>C (p.Ser3082=)

Gene: ASPM (assembly factor for spindle microtubules; minus strand). Cytogenetic location: 1q31.3.
Variant type: single nucleotide variant.
Coding change: c.9246T>C on transcript NM_018136.5 (MANE Select); coding-DNA position 9246, T replaced by C.
Protein change: p.Ser3082=; no amino-acid change (serine 3082 retained).
Molecular consequence: synonymous variant.
Genome position (GRCh38, 1-based): chr1:197,093,100, A>G on the plus strand (T>C on the coding strand, the complement: ASPM is on the minus strand). VCF-style: chr1-197093100-A-G. GRCh37 (hg19) VCF-style: chr1-197062230-A-G.
Other names: c.4491T>C, p.Ser1497= (NM_001206846.2).
Identifiers: ClinVar variation 294602 (VCV000294602.8), dbSNP rs201050851, ClinGen allele CA1309006.